The following is an entry in ClinVar:

ClinVar aggregate classification (germline): Likely benign (1 of 4 stars; one submission).

Conditions:
PKHD1-related disorder. Also called: PKHD1-related condition.

Submission:

PreventionGenetics, part of Exact Sciences
Classification: Likely benign for PKHD1-related condition. Last evaluated: 2024-11-18. Review status: criteria provided, single submitter. Criteria: ACMG Guidelines, 2015. Collection method: clinical testing. Allele origin: germline.
Comment: This variant is classified as likely benign based on ACMG/AMP sequence variant interpretation guidelines (Richards et al. 2015 PMID: 25741868, with internal and published modifications).

NM_138694.4(PKHD1):c.4830G>A (p.Gln1610=)

Genes: PKHD1 (PKHD1 ciliary IPT domain containing fibrocystin/polyductin; minus strand), LOC126859690 (MED14-independent group 3 enhancer GRCh37_chr6:51888848-51890047; plus strand). Cytogenetic location: 6p12.2.
Variant type: single nucleotide variant.
Coding change: c.4830G>A on transcript NM_138694.4 (MANE Select); coding-DNA position 4830, G replaced by A.
Protein change: p.Gln1610=; no amino-acid change (glutamine 1610 retained).
Molecular consequence: synonymous variant.
Genome position (GRCh38, 1-based): chr6:52,024,980, C>T on the plus strand (G>A on the coding strand, the complement: PKHD1 is on the minus strand). VCF-style: chr6-52024980-C-T. GRCh37 (hg19) VCF-style: chr6-51889778-C-T.
Other names: c.4830G>A, p.Gln1610= (NM_170724.3).
Identifiers: ClinVar variation 5000403 (VCV005000403.1).